The following is an entry in ClinVar:

ClinVar aggregate classification (germline): Pathogenic (1 of 4 stars; one submission).

Conditions:
Hereditary factor XI deficiency disease. Also called: PLASMA THROMBOPLASTIN ANTECEDENT DEFICIENCY; PTA DEFICIENCY; ROSENTHAL SYNDROME; Congenital factor XI deficiency. Identifiers: Orphanet 329, MedGen C0015523, MeSH D005173, MONDO:0012897, OMIM 612416.

Submission:

Myriad Genetics, Inc.
Classification: Pathogenic for Hereditary factor XI deficiency disease. Last evaluated: 2024-05-14. Review status: criteria provided, single submitter. Criteria: Myriad Autosomal Dominant, Autosomal Recessive and X-Linked Classification Criteria (2023). Collection method: clinical testing. Allele origin: unknown.
Comment: NM_000128.3(F11):c.149del1ins17(C50Sfs*24) is expected to be pathogenic in the context of factor XI deficiency. This variant is predicted to lead to an abnormal or absent protein product due to the creation of a premature termination codon in F11, a gene where loss-of-function variants are known to be pathogenic. Please note: this variant was assessed in the context of healthy population screening.

NM_000128.4(F11):c.149delinsCAGATGTGTATAAGAGA (p.Cys50fs)

Gene: F11 (coagulation factor XI; plus strand). Cytogenetic location: 4q35.2.
Variant type: Indel.
Coding change: c.149delinsCAGATGTGTATAAGAGA on transcript NM_000128.4 (MANE Select); coding-DNA position 149, G replaced by CAGATGTGTATAAGAGA.
Protein change: p.Cys50fs; shifts the reading frame from cysteine 50.
Molecular consequence: frameshift variant.
Genome position (GRCh38, 1-based): chr4:186,271,702, G replaced by CAGATGTGTATAAGAGA. VCF-style: chr4-186271702-G-CAGATGTGTATAAGAGA. GRCh37 (hg19) VCF-style: chr4-187192856-G-CAGATGTGTATAAGAGA.
Other names: c.149delinsCAGATGTGTATAAGAGA, p.Cys50fs (NM_001354804.2, NM_001440590.1, NM_001440593.1 and 5 more transcripts); short protein forms C50fs.
Identifiers: ClinVar variation 5010990 (VCV005010990.1).